The following is an entry in ClinVar:

ClinVar aggregate classification (germline): Uncertain significance (1 of 4 stars; one submission).

Allele frequency attached by ClinVar (database versions not stated): gnomAD 0.00001; gnomAD exomes 0.00002.

Submission:

Labcorp Genetics (formerly Invitae), Labcorp
Classification: Uncertain significance. Last evaluated: 2024-06-05. Review status: criteria provided, single submitter. Criteria: Invitae Variant Classification Sherloc (09022015). Collection method: clinical testing. Allele origin: germline.
Comment: This sequence change replaces lysine, which is basic and polar, with asparagine, which is neutral and polar, at codon 883 of the HYOU1 protein (p.Lys883Asn). This variant is present in population databases (rs781896433, gnomAD 0.002%). This variant has not been reported in the literature in individuals affected with HYOU1-related conditions. An algorithm developed to predict the effect of missense changes on protein structure and function (PolyPhen-2) suggests that this variant is likely to be tolerated. In summary, the available evidence is currently insufficient to determine the role of this variant in disease. Therefore, it has been classified as a Variant of Uncertain Significance.

NM_006389.5(HYOU1):c.2649G>T (p.Lys883Asn)

Gene: HYOU1 (hypoxia up-regulated 1; minus strand). Cytogenetic location: 11q23.3.
Variant type: single nucleotide variant.
Coding change: c.2649G>T on transcript NM_006389.5 (MANE Select); coding-DNA position 2649, G replaced by T.
Protein change: p.Lys883Asn; replaces lysine 883 with asparagine.
Molecular consequence: missense variant.
Genome position (GRCh38, 1-based): chr11:119,046,749, C>A on the plus strand (G>T on the coding strand, the complement: HYOU1 is on the minus strand). VCF-style: chr11-119046749-C-A. GRCh37 (hg19) VCF-style: chr11-118917461-C-A.
Other names: c.2649G>T, p.Lys883Asn (NM_001130991.3, NM_001411041.1); short protein forms K883N.
Identifiers: ClinVar variation 2802783 (VCV002802783.3), dbSNP rs781896433, ClinGen allele CA229617092.